The following is an entry in ClinVar:

NM_024678.6(NARS2):c.26G>C (p.Arg9Pro)

Gene: NARS2 (asparaginyl-tRNA synthetase 2, mitochondrial; minus strand). Cytogenetic location: 11q14.1.
Variant type: single nucleotide variant.
Coding change: c.26G>C on transcript NM_024678.6 (MANE Select); coding-DNA position 26, G replaced by C.
Protein change: p.Arg9Pro; replaces arginine 9 with proline.
Molecular consequence: missense variant. On other transcripts: intron variant (1).
Genome position (GRCh38, 1-based): chr11:78,574,463, C>G on the plus strand (G>C on the coding strand, the complement: NARS2 is on the minus strand). VCF-style: chr11-78574463-C-G. GRCh37 (hg19) VCF-style: chr11-78285508-C-G.
Other names: p.Arg9Pro; c.-541+366G>C (NM_001243251.2); short protein forms R9P.
Identifiers: ClinVar variation 381425 (VCV000381425.13), dbSNP rs114743209, ClinGen allele CA6206004.

ClinVar aggregate classification (germline): Benign. Review status: criteria provided, multiple submitters, no conflicts (2 of 4 stars). 4 submissions from 4 submitters: Benign (4). Last evaluated 2026-01-26.

Allele frequency attached by ClinVar (database versions not stated): ExAC 0.00379; 1000 Genomes Project 0.00719; 1000 Genomes Project 30x 0.00828; gnomAD 0.01176; TOPMed 0.01218; ESP Exome Variant Server 0.01402.
gnomAD v4.1: 3,159 of 1,613,524 alleles (0.2%); highest among the groups gnomAD compares: African/African-American, 3.9%; 62 homozygotes.

Submissions (4):

Labcorp Genetics (formerly Invitae), Labcorp
Classification: Benign. Last evaluated: 2026-01-26. Review status: criteria provided, single submitter. Criteria: Invitae Variant Classification Sherloc (09022015). Collection method: clinical testing. Allele origin: germline.

Mayo Clinic Laboratories, Mayo Clinic
Classification: Benign. Last evaluated: 2022-12-29. Review status: criteria provided, single submitter. Criteria: ACMG Guidelines, 2015. Collection method: clinical testing. Allele origin: germline. Observed: 5 variant alleles.
Comment: BA1, BP4

GeneDx
Classification: Benign. Last evaluated: 2016-02-24. Review status: criteria provided, single submitter. Criteria: GeneDx Variant Classification (06012015). Collection method: clinical testing. Allele origin: germline. Affected: yes.
Comment: This variant is considered likely benign or benign based on one or more of the following criteria: it is a conservative change, it occurs at a poorly conserved position in the protein, it is predicted to be benign by multiple in silico algorithms, and/or has population frequency not consistent with disease.

Breakthrough Genomics
Classification: Benign. Review status: criteria provided, single submitter. Criteria: ACMG Guidelines, 2015. Collection method: not provided. Allele origin: germline. Inheritance: Autosomal recessive inheritance. Affected: yes.